The following is an entry in ClinVar:

NM_000535.7(PMS2):c.1180A>G (p.Lys394Glu)

Gene: PMS2 (PMS1 homolog 2, mismatch repair system component; minus strand). Cytogenetic location: 7p22.1.
Variant type: single nucleotide variant.
Coding change: c.1180A>G on transcript NM_000535.7 (MANE Select); coding-DNA position 1180, A replaced by G.
Protein change: p.Lys394Glu; replaces lysine 394 with glutamic acid.
Molecular consequence: missense variant. On other transcripts: non-coding transcript variant (1).
Genome position (GRCh38, 1-based): chr7:5,987,585, T>C on the plus strand (A>G on the coding strand, the complement: PMS2 is on the minus strand). VCF-style: chr7-5987585-T-C. GRCh37 (hg19) VCF-style: chr7-6027216-T-C.
Other names: c.775A>G, p.Lys259Glu (NM_001322004.2, NM_001322005.2, NM_001322009.2 and 1 more transcripts); c.1024A>G, p.Lys342Glu (NM_001322006.2); c.862A>G, p.Lys288Glu (NM_001322007.2, NM_001322008.2); c.871A>G, p.Lys291Glu (NM_001322015.2); c.619A>G, p.Lys207Glu (NM_001322010.2); c.247A>G, p.Lys83Glu (NM_001322011.2, NM_001322012.2); c.607A>G, p.Lys203Glu (NM_001322013.2); c.1180A>G, p.Lys394Glu (NM_001322014.2); short protein forms K203E, K342E, K207E, K259E, K291E, K83E, K394E, K288E.
Identifiers: ClinVar variation 802294 (VCV000802294.12), dbSNP rs1583323711, ClinGen allele CA366742625.

ClinVar aggregate classification (germline): Uncertain significance. Review status: criteria provided, multiple submitters, no conflicts (2 of 4 stars). 3 submissions from 3 submitters: Uncertain significance (3). Last evaluated 2025-04-21.

Conditions:
Lynch syndrome 4 (LYNCH4). Also called: Hereditary non-polyposis colorectal cancer, type 4; Colorectal cancer, hereditary nonpolyposis, type 4. Identifiers: Orphanet 144, MedGen C1838333, MONDO:0013699, OMIM 614337. Disease mechanism: loss of function.
Hereditary nonpolyposis colorectal neoplasms. Identifiers: MedGen C0009405, MeSH D003123.
Hereditary cancer-predisposing syndrome. Also called: Tumor predisposition; Neoplastic Syndromes, Hereditary; Hereditary Cancer Syndrome; Hereditary neoplastic syndrome. Identifiers: Orphanet 140162, MedGen C0027672, MeSH D009386, MONDO:0015356.

Allele frequency attached by ClinVar (database versions not stated): gnomAD exomes 0.00001.
gnomAD v4.1: 3 of 1,610,378 alleles (0.00019%); highest among the groups gnomAD compares: Non-Finnish European, 0.00025%; no homozygotes.

Submissions (3):

Labcorp Genetics (formerly Invitae), Labcorp
Classification: Uncertain significance for Hereditary nonpolyposis colorectal neoplasms. Last evaluated: 2025-04-21. Review status: criteria provided, single submitter. Criteria: Invitae Variant Classification Sherloc (09022015). Collection method: clinical testing. Allele origin: germline.
Comment: This sequence change replaces lysine, which is basic and polar, with glutamic acid, which is acidic and polar, at codon 394 of the PMS2 protein (p.Lys394Glu). This variant is not present in population databases (gnomAD no frequency). This variant has not been reported in the literature in individuals affected with PMS2-related conditions. ClinVar contains an entry for this variant (Variation ID: 802294). Invitae Evidence Modeling incorporating data from in vitro experimental studies (internal data) indicates that this missense variant is not expected to disrupt PMS2 function with a negative predictive value of 95%. In summary, the available evidence is currently insufficient to determine the role of this variant in disease. Therefore, it has been classified as a Variant of Uncertain Significance.

Ambry Genetics
Classification: Uncertain significance for Hereditary cancer-predisposing syndrome. Last evaluated: 2024-10-08. Review status: criteria provided, single submitter. Criteria: Ambry Variant Classification Scheme 2023. Collection method: clinical testing. Allele origin: germline.
Comment: The p.K394E variant (also known as c.1180A>G), located in coding exon 11 of the PMS2 gene, results from an A to G substitution at nucleotide position 1180. The lysine at codon 394 is replaced by glutamic acid, an amino acid with similar properties. This amino acid position is not well conserved in available vertebrate species. In addition, this alteration is predicted to be tolerated by in silico analysis. Based on the available evidence, the clinical significance of this variant remains unclear.

Mendelics
Classification: Uncertain significance for Lynch syndrome 4. Last evaluated: 2019-05-28. Review status: criteria provided, single submitter. Criteria: Mendelics Assertion Criteria 2017. Collection method: clinical testing. Allele origin: unknown.